The following is an entry in ClinVar:

ClinVar aggregate classification (germline): Likely benign (1 of 4 stars; one submission).

Conditions:
Sessile serrated polyposis cancer syndrome (SSPCS). Identifiers: Orphanet 157798, MedGen C4310714, MONDO:0014919, OMIM 617108.

gnomAD v4.1: 2 of 1,581,432 alleles (0.00013%); highest among the groups gnomAD compares: South Asian, 0.0022%; no homozygotes.

Submission:

Myriad Genetics, Inc.
Classification: Likely benign for Sessile serrated polyposis cancer syndrome. Last evaluated: 2026-06-26. Review status: criteria provided, single submitter. Criteria: Myriad Autosomal Dominant, Autosomal Recessive and X-Linked Classification Criteria (2023). Collection method: clinical testing. Allele origin: unknown.
Comment: This variant is considered likely benign. This variant is intronic and is not expected to impact mRNA splicing.

NM_017763.6(RNF43):c.849+8A>G

Gene: RNF43 (ring finger protein 43; minus strand). Cytogenetic location: 17q22.
Variant type: single nucleotide variant.
Coding change: c.849+8A>G on transcript NM_017763.6 (MANE Select); 8 bases into the intron after coding-DNA position 849, A replaced by G.
Molecular consequence: intron variant.
Genome position (GRCh38, 1-based): chr17:58,360,775, T>C on the plus strand (A>G on the coding strand, the complement: RNF43 is on the minus strand). VCF-style: chr17-58360775-T-C. GRCh37 (hg19) VCF-style: chr17-56438136-T-C.
Other names: c.849+8A>G (NM_001438822.1, NM_001305544.3, NM_001438820.1 and 1 more transcripts); c.468+8A>G (NM_001305545.2, NM_001437987.1).
Identifiers: ClinVar variation 4875722 (VCV004875722.1).